The following is an entry in ClinVar:

ClinVar aggregate classification (germline): Uncertain significance. Review status: criteria provided, multiple submitters, no conflicts (2 of 4 stars). 4 submissions from 4 submitters: Uncertain significance (4). Last evaluated 2024-08-02.

Conditions:
Cardiovascular phenotype. Identifiers: MedGen CN230736.
Noonan syndrome 4 (NS4). Also called: SOS1-Related Noonan Syndrome; NOONAN SYNDROME WITH PIGMENTED VILLONODULAR SYNOVITIS. Identifiers: Orphanet 648, MedGen C1853120, MONDO:0012547, OMIM 610733.

Submissions (4):

GeneDx
Classification: Uncertain significance. Last evaluated: 2024-08-02. Review status: criteria provided, single submitter. Criteria: GeneDx Variant Classification Process June 2021. Collection method: clinical testing. Allele origin: germline. Affected: yes.
Comment: Not observed at significant frequency in large population cohorts (gnomAD); Has not been previously published as pathogenic or benign to our knowledge; Canonical splice site variant in a gene or region of a gene for which loss of function is not a known mechanism of disease; This variant is associated with the following publications: (PMID: 29493581)

St. Jude Molecular Pathology, St. Jude Children's Research Hospital
Classification: Uncertain significance for Noonan syndrome 4. Last evaluated: 2022-08-17. Review status: criteria provided, single submitter. Criteria: St. Jude Assertion Criteria 2020. Collection method: clinical testing. Allele origin: germline.
Comment: The SOS1 c.720+1G>A intronic change results in a G to A substitution at the +1 position of intron 5 of the SOS1 gene. The disease mechanism for SOS1 is gain-of-function caused by heterozygous missense changes, whereas protein-truncating and splice variants do not have an established correlation to disease (PMID: 17143282, 17143285). This variant is absent in in gnomAD v2.1.1. To our knowledge, this variant has not been reported in individuals with Noonan syndrome. In summary, the evidence currently available is insufficient to determine the clinical significance of this variant. It has therefore been classified as of uncertain significance.

Ambry Genetics
Classification: Uncertain significance for Cardiovascular phenotype. Last evaluated: 2022-04-27. Review status: criteria provided, single submitter. Criteria: Ambry Variant Classification Scheme 2023. Collection method: clinical testing. Allele origin: germline.
Comment: The c.720+1G>A intronic variant results from a G to A substitution one nucleotide after coding exon 5 of the SOS1 gene. This nucleotide position is highly conserved in available vertebrate species. Alterations that disrupt the canonical splice site are expected to result in aberrant splicing. In silico splice site analysis predicts that this alteration will weaken the native splice donor site. The resulting transcript is predicted to be in-frame and is not expected to trigger nonsense-mediated mRNAdecay; however, direct evidence is unavailable. The exact functional effect of the altered amino acid sequence is unknown. Since supporting evidence is limited at this time, the clinical significance of this alteration remains unclear.

Genome-Nilou Lab
Classification: Uncertain significance for Noonan syndrome 4. Review status: criteria provided, single submitter. Criteria: ACMG Guidelines, 2015. Collection method: clinical testing. Allele origin: germline.

NM_005633.4(SOS1):c.720+1G>A

Gene: SOS1 (SOS Ras/Rac guanine nucleotide exchange factor 1; minus strand). Cytogenetic location: 2p22.1.
Variant type: single nucleotide variant.
Coding change: c.720+1G>A on transcript NM_005633.4 (MANE Select); the canonical splice donor site of the intron after coding-DNA position 720, G replaced by A.
Molecular consequence: splice donor variant.
Genome position (GRCh38, 1-based): chr2:39,054,613, C>T on the plus strand (G>A on the coding strand, the complement: SOS1 is on the minus strand). VCF-style: chr2-39054613-C-T. GRCh37 (hg19) VCF-style: chr2-39281754-C-T.
Other names: c.699+1G>A (NM_001382394.1); c.720+1G>A (NM_001382395.1).
Identifiers: ClinVar variation 1710934 (VCV001710934.5), dbSNP rs2465346587, ClinGen allele CA346372899.